The following is an entry in ClinVar:

ClinVar aggregate classification (germline): Pathogenic/Likely pathogenic. Review status: criteria provided, multiple submitters, no conflicts (2 of 4 stars). 5 submissions from 5 submitters: Pathogenic (3); Likely pathogenic (1). 1 of the submissions does not count toward it. Last evaluated 2024-03-19.

Conditions:
Hereditary breast ovarian cancer syndrome. Also called: BRCA1- and BRCA2-Associated Hereditary Breast and Ovarian Cancer; Hereditary breast and ovarian cancer syndrome (HBOC); Hereditary breast and ovarian cancer syndrome; Breast and ovarian cancer; Hereditary breast and ovarian cancer; Hereditary breast and/or ovarian cancer syndrome. Identifiers: Orphanet 145, MedGen C0677776, MeSH D061325, MONDO:0003582. Disease mechanism: loss of function.
Hereditary cancer-predisposing syndrome. Also called: Hereditary Cancer Syndrome; Hereditary neoplastic syndrome; Neoplastic Syndromes, Hereditary; Tumor predisposition. Identifiers: Orphanet 140162, MedGen C0027672, MeSH D009386, MONDO:0015356.
Breast-ovarian cancer, familial, susceptibility to, 1 (BROVCA1). Also called: OVARIAN CANCER, SUSCEPTIBILITY TO; BRCA1 Hereditary Breast and Ovarian Cancer. Identifiers: Orphanet 145, MedGen C2676676, MONDO:0011450, OMIM 604370. Disease mechanism: loss of function.

Submissions (5):

Baylor Genetics
Classification: Likely pathogenic for Breast-ovarian cancer, familial, susceptibility to, 1. Last evaluated: 2024-03-19. Review status: criteria provided, single submitter. Criteria: ACMG Guidelines, 2015. Collection method: clinical testing. Allele origin: unknown.

Ambry Genetics
Classification: Pathogenic for Hereditary cancer-predisposing syndrome. Last evaluated: 2024-02-28. Review status: criteria provided, single submitter. Criteria: Ambry Variant Classification Scheme 2023. Collection method: clinical testing. Allele origin: germline.
Comment: The c.2061_2064delGACA pathogenic mutation, located in coding exon 9 of the BRCA1 gene, results from a deletion of 4 nucleotides at nucleotide positions 2061 to 2064, causing a translational frameshift with a predicted alternate stop codon (p.T688Vfs*12). This alteration is expected to result in loss of function by premature protein truncation or nonsense-mediated mRNA decay. As such, this alteration is interpreted as a disease-causing mutation.

Labcorp Genetics (formerly Invitae), Labcorp
Classification: Pathogenic for Hereditary breast ovarian cancer syndrome. Last evaluated: 2023-11-25. Review status: criteria provided, single submitter. Criteria: Invitae Variant Classification Sherloc (09022015). Collection method: clinical testing. Allele origin: germline.
Comment: This sequence change creates a premature translational stop signal (p.Thr688Valfs*12) in the BRCA1 gene. It is expected to result in an absent or disrupted protein product. Loss-of-function variants in BRCA1 are known to be pathogenic (PMID: 20104584). This variant is not present in population databases (gnomAD no frequency). This variant has not been reported in the literature in individuals affected with BRCA1-related conditions. ClinVar contains an entry for this variant (Variation ID: 820627). For these reasons, this variant has been classified as Pathogenic.

Color Diagnostics, LLC DBA Color Health
Classification: Pathogenic for Hereditary cancer-predisposing syndrome. Last evaluated: 2021-01-11. Review status: criteria provided, single submitter. Criteria: ACMG Guidelines, 2015. Collection method: clinical testing. Allele origin: germline.
Comment: This variant deletes 4 nucleotides in exon 10 of the BRCA1 gene, creating a frameshift and premature translation stop signal. This variant is expected to result in an absent or non-functional protein product. To our knowledge, this variant has not been reported in individuals affected with hereditary cancer in the literature. This variant has not been identified in the general population by the Genome Aggregation Database (gnomAD). Loss of BRCA1 function is a known mechanism of disease. Based on the available evidence, this variant is classified as Pathogenic.

KCCC/NGS Laboratory, Kuwait Cancer Control Center
Classification: Pathogenic for Breast-ovarian cancer, familial, susceptibility to, 1. Last evaluated: 2023-05-05. Review status: no assertion criteria provided. Collection method: clinical testing. Allele origin: germline. Affected: yes. Not counted in ClinVar's aggregate classification.
Comment: A known pathogenic mutation was detected in the BRCA1 gene (c.2061_2064delGACA). This sequence change creates a premature translational stop signal (p.Thr688Valfs*12) in the BRCA1 gene. It is expected to result in an absent or disrupted protein product. This variant is not present in population databases (ExAC no frequency). This variant has been reported in the literature in individuals with BRCA1-related conditions (PMID 20104584). Clinvar has an entry for this variant (820627) with 3 submissions, all of which describe it as pathogenic, two stars, no conflicts. Loss-of-function variants in BRCA1 are known to be pathogenic (PMID: 20104584). Therefore, this variant has been classified as Pathogenic. Pathogenic mutations in the BRCA1 gene cause Hereditary Breast/Ovarian Cancer syndrome (HBOC).

Literature cited by the submitters: PubMed 20104584 (cited by Labcorp Genetics (formerly Invitae), Labcorp and KCCC/NGS Laboratory, Kuwait Cancer Control Center).

NM_007294.4(BRCA1):c.2061_2064del (p.Thr688fs)

Gene: BRCA1 (BRCA1 DNA repair associated; minus strand). Cytogenetic location: 17q21.31.
Variant type: Deletion.
Coding change: c.2061_2064del on transcript NM_007294.4 (MANE Select); coding-DNA positions 2061 to 2064, 4 bases deleted (GACA; older notation c.2061_2064delGACA).
Protein change: p.Thr688fs; shifts the reading frame from threonine 688.
Molecular consequence: frameshift variant. On other transcripts: intron variant (137).
Genome position (GRCh38, 1-based): chr17:43,093,467-43,093,470, TGTC deleted on the plus strand (GACA on the coding strand, the reverse complement: BRCA1 is on the minus strand); deleting any 4 consecutive bases within chr17:43,093,467-43,093,473 gives the same sequence; the c. name uses the placement nearest the transcript's 3' end. VCF-style (leftmost placement, unchanged base first): chr17-43093466-TTGTC-T. GRCh37 (hg19) VCF-style: chr17-41245483-TTGTC-T.
Other names: c.2061_2064del (NM_007294.3); c.2061_2064delGACA (NM_007300.3); c.1980_1983del, p.Thr661fs (NM_001407659.1, NM_001407660.1, NM_001407661.1 and 1 more transcripts); c.1983_1986del, p.Thr662fs (NM_001407663.1, NM_001407653.1, NM_001407654.1 and 4 more transcripts); c.1938_1941del, p.Thr647fs (NM_001407664.1, NM_001407665.1, NM_001407666.1 and 19 more transcripts); c.1935_1938del, p.Thr646fs (NM_001407670.1, NM_001407671.1, NM_001407672.1 and 11 more transcripts); c.2061_2064del, p.Thr688fs (NM_001407684.1, NM_001407581.1, NM_001407582.1 and 30 more transcripts); c.1848_1851del, p.Thr617fs (NM_001407571.1, NM_001407853.1, NM_001407894.1 and 9 more transcripts); and 42 more; short protein forms T641fs, T688fs, T520fs, T560fs, T617fs, T618fs, T640fs, T662fs.
Identifiers: ClinVar variation 820627 (VCV000820627.19), dbSNP rs1597872420, ClinGen allele CA915950110.